The following is an entry in ClinVar:

NM_022552.5(DNMT3A):c.2540_2541del (p.His847fs)

Gene: DNMT3A (DNA methyltransferase 3 alpha; minus strand). Cytogenetic location: 2p23.3.
Variant type: Deletion.
Coding change: c.2540_2541del on transcript NM_022552.5 (MANE Select); coding-DNA positions 2540 to 2541, 2 bases deleted (AT; older notation c.2540_2541delAT).
Protein change: p.His847fs; shifts the reading frame from histidine 847.
Molecular consequence: frameshift variant. On other transcripts: non-coding transcript variant (1).
Genome position (GRCh38, 1-based): chr2:25,235,763-25,235,764, AT deleted on the plus strand (AT on the coding strand, the reverse complement: DNMT3A is on the minus strand). VCF-style (leftmost placement, unchanged base first): chr2-25235762-AAT-A. GRCh37 (hg19) VCF-style: chr2-25458631-AAT-A.
Other names: c.2540_2541delAT (NM_175629.2); c.2084_2085del, p.His695fs (NM_001320893.1); c.1871_1872del, p.His624fs (NM_001375819.1); c.1973_1974del, p.His658fs (NM_153759.3); c.2540_2541del, p.His847fs (NM_175629.2); short protein forms H658fs, H695fs, H847fs, H624fs.
Identifiers: ClinVar variation 577390 (VCV000577390.9), dbSNP rs1558653090, ClinGen allele CA891843191.
Genomic context (GRCh38, chr2:25,235,762, plus strand): 5'-GGTACCTTTCCATTTCAGTGCACCATAAGATGTCCTCTTTCTCATTCATGAAGACAGGAA[AAT>A]GCTGGTCTTTGCCCTGCTTTATGGAGTTTGACCTCGTAGTAATGGTCCTCACTTTGCTGA-3'

ClinVar aggregate classification (germline): Likely pathogenic (1 of 4 stars; one submission).

Conditions:
Tatton-Brown-Rahman overgrowth syndrome. Also called: Tall stature-intellectual disability-facial dysmorphism syndrome; Tatton-Brown-Rahman syndrome. Identifiers: Orphanet 404443, MedGen C4014545, MONDO:0014382, OMIM 615879.

Submission:

Labcorp Genetics (formerly Invitae), Labcorp
Classification: Likely pathogenic for Tatton-Brown-Rahman overgrowth syndrome. Last evaluated: 2018-05-06. Review status: criteria provided, single submitter. Criteria: Invitae Variant Classification Sherloc (09022015). Collection method: clinical testing. Allele origin: germline.
Comment: The p.Phe902 and p.Pro904 amino acid residues in DNMT3A have been determined to be clinically significant (PMID: 24614070). This suggests that variants that disrupt these residues are likely to be causative of disease. In summary, the currently available evidence indicates that the variant is pathogenic, but additional data are needed to prove that conclusively. Therefore, this variant has been classified as Likely Pathogenic. This variant has not been reported in the literature in individuals with DNMT3A-related disease. This variant is not present in population databases (ExAC no frequency). This sequence change results in a premature translational stop signal in the DNMT3A gene (p.His847Leufs*7). While this is not anticipated to result in nonsense mediated decay, it is expected to delete the last 58 amino acids of the DNMT3A protein.

Literature cited by the submitters: PubMed 24614070.